The following is an entry in ClinVar:

ClinVar aggregate classification (germline): Uncertain significance (1 of 4 stars; one submission).

Conditions:
Trichorhinophalangeal dysplasia type I (TRPS1). Also called: TRICHORHINOPHALANGEAL SYNDROME, TYPE I; TRPS I. Identifiers: Orphanet 77258, MedGen C0432233, MONDO:0008596, OMIM 190350.
Trichorhinophalangeal syndrome, type III (TRPS3). Also called: SUGIO-KAJII SYNDROME. Identifiers: Orphanet 77258, MedGen C1860823, OMIM 190351, MONDO:0008597.

Submission:

Labcorp Genetics (formerly Invitae), Labcorp
Classification: Uncertain significance for Trichorhinophalangeal syndrome, type III; Trichorhinophalangeal dysplasia type I. Last evaluated: 2023-03-30. Review status: criteria provided, single submitter. Criteria: Invitae Variant Classification Sherloc (09022015). Collection method: clinical testing. Allele origin: germline.
Comment: In summary, the available evidence is currently insufficient to determine the role of this variant in disease. Therefore, it has been classified as a Variant of Uncertain Significance. Advanced modeling of protein sequence and biophysical properties (such as structural, functional, and spatial information, amino acid conservation, physicochemical variation, residue mobility, and thermodynamic stability) has been performed at Invitae for this missense variant, however the output from this modeling did not meet the statistical confidence thresholds required to predict the impact of this variant on TRPS1 protein function. This variant has not been reported in the literature in individuals affected with TRPS1-related conditions. This variant is not present in population databases (gnomAD no frequency). This sequence change replaces threonine, which is neutral and polar, with isoleucine, which is neutral and non-polar, at codon 917 of the TRPS1 protein (p.Thr917Ile).

NM_014112.5(TRPS1):c.2750C>T (p.Thr917Ile)

Gene: TRPS1 (transcriptional repressor GATA binding 1; minus strand). Cytogenetic location: 8q23.3.
Variant type: single nucleotide variant.
Coding change: c.2750C>T on transcript NM_014112.5 (MANE Select); coding-DNA position 2750, C replaced by T.
Protein change: p.Thr917Ile; replaces threonine 917 with isoleucine.
Molecular consequence: missense variant.
Genome position (GRCh38, 1-based): chr8:115,418,403, G>A on the plus strand (C>T on the coding strand, the complement: TRPS1 is on the minus strand). VCF-style: chr8-115418403-G-A. GRCh37 (hg19) VCF-style: chr8-116430631-G-A.
Other names: c.2723C>T, p.Thr908Ile (NM_001282902.3); c.2729C>T, p.Thr910Ile (NM_001282903.3); c.2711C>T, p.Thr904Ile (NM_001330599.2); short protein forms T917I, T904I, T908I, T910I.
Identifiers: ClinVar variation 2945973 (VCV002945973.3), dbSNP rs2536588526, ClinGen allele CA372064327.